The following is an entry in ClinVar:

ClinVar aggregate classification (germline): Likely pathogenic (1 of 4 stars; one submission).

Conditions:
Autosomal recessive Alport syndrome (ATS2). Also called: COL4A3-Related Nephropathy; COL4A4 Alport Syndrome and Thin Basement Membrane Nephropathy; ALPORT SYNDROME 2, AUTOSOMAL RECESSIVE; Alport syndrome type 2. Identifiers: Orphanet 63, Orphanet 88919, MedGen C4746745, MONDO:0008762, OMIM 203780.

Submission:

Myriad Genetics, Inc.
Classification: Likely pathogenic for Autosomal recessive Alport syndrome. Last evaluated: 2022-03-30. Review status: criteria provided, single submitter. Criteria: Myriad Women's Health Autosomal Recessive and X-Linked Classification Criteria (2021). Collection method: clinical testing. Allele origin: unknown.
Comment: NM_000092.4(COL4A4):c.3297delT(F1099Lfs*42) is expected to be pathogenic in the context of COL4A4-related Alport syndrome. This variant is predicted to lead to an abnormal or absent protein product due to the creation of a premature termination codon in COL4A4, a gene where loss-of-function variants are known to be pathogenic. Please note: this variant was assessed in the context of healthy population screening.

NM_000092.5(COL4A4):c.3297del (p.Phe1099fs)

Gene: COL4A4 (collagen type IV alpha 4 chain; minus strand). Cytogenetic location: 2q36.3.
Variant type: Deletion.
Coding change: c.3297del on transcript NM_000092.5 (MANE Select); coding-DNA position 3297, one base deleted (T; older notation c.3297delT).
Protein change: p.Phe1099fs; shifts the reading frame from phenylalanine 1099.
Molecular consequence: frameshift variant.
Genome position (GRCh38, 1-based): chr2:227,043,177, A deleted on the plus strand (T on the coding strand, the reverse complement: COL4A4 is on the minus strand); the first of 4 consecutive A bases (chr2:227,043,177-227,043,180); deleting any one gives the same sequence. VCF-style (leftmost placement, unchanged base first): chr2-227043176-CA-C. GRCh37 (hg19) VCF-style: chr2-227907892-CA-C.
Other names: short protein forms F1099fs.
Identifiers: ClinVar variation 1725540 (VCV001725540.2), dbSNP rs2473720581, ClinGen allele CA2580065848.